The following is an entry in ClinVar:

NM_020745.4(AARS2):c.2579G>A (p.Arg860His)

Gene: AARS2 (alanyl-tRNA synthetase 2, mitochondrial; minus strand). Cytogenetic location: 6p21.1.
Variant type: single nucleotide variant.
Coding change: c.2579G>A on transcript NM_020745.4 (MANE Select); coding-DNA position 2579, G replaced by A.
Protein change: p.Arg860His; replaces arginine 860 with histidine.
Molecular consequence: missense variant.
Genome position (GRCh38, 1-based): chr6:44,302,079, C>T on the plus strand (G>A on the coding strand, the complement: AARS2 is on the minus strand). VCF-style: chr6-44302079-C-T. GRCh37 (hg19) VCF-style: chr6-44269816-C-T.
Other names: short protein forms R860H.
Identifiers: ClinVar variation 1415125 (VCV001415125.9), dbSNP rs775755633, ClinGen allele CA3833931.

ClinVar aggregate classification (germline): Uncertain significance (1 of 4 stars; one submission).

Allele frequency attached by ClinVar (database versions not stated): ExAC 0.00002; gnomAD exomes 0.00003; TOPMed 0.00003; gnomAD 0.00004.
gnomAD v4.1: 51 of 1,614,022 alleles (0.0032%); highest among the groups gnomAD compares: Non-Finnish European, 0.0035%; no homozygotes.

Submission:

Labcorp Genetics (formerly Invitae), Labcorp
Classification: Uncertain significance. Last evaluated: 2023-10-03. Review status: criteria provided, single submitter. Criteria: Invitae Variant Classification Sherloc (09022015). Collection method: clinical testing. Allele origin: germline.
Comment: This sequence change replaces arginine, which is basic and polar, with histidine, which is basic and polar, at codon 860 of the AARS2 protein (p.Arg860His). This variant is present in population databases (rs775755633, gnomAD 0.005%). This variant has not been reported in the literature in individuals affected with AARS2-related conditions. ClinVar contains an entry for this variant (Variation ID: 1415125). Advanced modeling of protein sequence and biophysical properties (such as structural, functional, and spatial information, amino acid conservation, physicochemical variation, residue mobility, and thermodynamic stability) performed at Invitae indicates that this missense variant is not expected to disrupt AARS2 protein function. Algorithms developed to predict the effect of sequence changes on RNA splicing suggest that this variant may disrupt the consensus splice site. In summary, the available evidence is currently insufficient to determine the role of this variant in disease. Therefore, it has been classified as a Variant of Uncertain Significance.